The following is an entry in ClinVar:

ClinVar aggregate classification (germline): Uncertain significance. Review status: criteria provided, multiple submitters, no conflicts (2 of 4 stars). 3 submissions from 3 submitters: Uncertain significance (3). Last evaluated 2025-03-29.

Conditions:
Polyps, multiple and recurrent inflammatory fibroid, gastrointestinal. Identifiers: MedGen C5193005, MONDO:0008285, OMIM 175510.
Gastrointestinal stromal tumor. Also called: Gastrointestinal stromal tumor, somatic; Gastrointestinal stroma tumor. Identifiers: Orphanet 44890, MedGen C0238198, MeSH D046152, MONDO:0011719, OMIM 606764, HP:0100723.
Hereditary cancer-predisposing syndrome. Also called: Hereditary Cancer Syndrome; Tumor predisposition; Neoplastic Syndromes, Hereditary; Hereditary neoplastic syndrome. Identifiers: Orphanet 140162, MedGen C0027672, MeSH D009386, MONDO:0015356.

Submissions (3):

Ambry Genetics
Classification: Uncertain significance for Hereditary cancer-predisposing syndrome. Last evaluated: 2025-03-29. Review status: criteria provided, single submitter. Criteria: Ambry Variant Classification Scheme 2023. Collection method: clinical testing. Allele origin: germline.
Comment: The p.S1013N variant (also known as c.3038G>A), located in coding exon 21 of the PDGFRA gene, results from a G to A substitution at nucleotide position 3038. The serine at codon 1013 is replaced by asparagine, an amino acid with highly similar properties. This amino acid position is conserved. In addition, this alteration is predicted to be tolerated by in silico analysis. Based on the available evidence, the clinical significance of this variant remains unclear.

Baylor Genetics
Classification: Uncertain significance for Polyps, multiple and recurrent inflammatory fibroid, gastrointestinal. Last evaluated: 2023-11-17. Review status: criteria provided, single submitter. Criteria: ACMG Guidelines, 2015. Collection method: clinical testing. Allele origin: unknown.

Labcorp Genetics (formerly Invitae), Labcorp
Classification: Uncertain significance for Gastrointestinal stromal tumor. Last evaluated: 2018-08-27. Review status: criteria provided, single submitter. Criteria: Invitae Variant Classification Sherloc (09022015). Collection method: clinical testing. Allele origin: germline.
Comment: This sequence change replaces serine with asparagine at codon 1013 of the PDGFRA protein (p.Ser1013Asn). The serine residue is highly conserved and there is a small physicochemical difference between serine and asparagine. This variant is not present in population databases (ExAC no frequency). This variant has not been reported in the literature in individuals with PDGFRA-related disease. Algorithms developed to predict the effect of missense changes on protein structure and function are either unavailable or do not agree on the potential impact of this missense change (SIFT: "Deleterious"; PolyPhen-2: "Probably Damaging"; Align-GVGD: "Class C0"). In summary, the available evidence is currently insufficient to determine the role of this variant in disease. Therefore, it has been classified as a Variant of Uncertain Significance.

NM_006206.6(PDGFRA):c.3038G>A (p.Ser1013Asn)

Gene: PDGFRA (platelet derived growth factor receptor alpha; plus strand). Cytogenetic location: 4q12.
Variant type: single nucleotide variant.
Coding change: c.3038G>A on transcript NM_006206.6 (MANE Select); coding-DNA position 3038, G replaced by A.
Protein change: p.Ser1013Asn; replaces serine 1013 with asparagine.
Molecular consequence: missense variant.
Genome position (GRCh38, 1-based): chr4:54,290,470, G>A. VCF-style: chr4-54290470-G-A. GRCh37 (hg19) VCF-style: chr4-55156637-G-A.
Other names: c.3113G>A, p.Ser1038Asn (NM_001347828.2); c.3038G>A, p.Ser1013Asn (NM_001347829.2); c.3077G>A, p.Ser1026Asn (NM_001347830.2); short protein forms S1013N, S1038N, S1026N.
Identifiers: ClinVar variation 640668 (VCV000640668.11), dbSNP rs1307047645, ClinGen allele CA356896245.